The following is an entry in ClinVar:

ClinVar aggregate classification (germline): Likely pathogenic. Review status: criteria provided, multiple submitters, no conflicts (2 of 4 stars). 3 submissions from 3 submitters: Likely pathogenic (3). Last evaluated 2025-05-21.

Conditions:
Megalencephalic leukoencephalopathy with subcortical cysts. Also called: VAN DER KNAAP DISEASE. Identifiers: Orphanet 2478, MedGen C1858854, MONDO:0011391.
MLC1-related disorder. Also called: MLC1-related condition.

Allele frequency attached by ClinVar (database versions not stated): gnomAD exomes below 0.00001; ExAC 0.00002.
gnomAD v4.1: 4 of 1,614,150 alleles (0.00025%); highest among the groups gnomAD compares: Non-Finnish European, 0.00034%; no homozygotes.

Submissions (3):

Women's Health and Genetics/Laboratory Corporation of America, LabCorp
Classification: Likely pathogenic for Megalencephalic leukoencephalopathy with subcortical cysts. Last evaluated: 2025-05-21. Review status: criteria provided, single submitter. Criteria: LabCorp Variant Classification Summary - May 2015. Collection method: clinical testing. Allele origin: germline.
Comment: Variant summary: MLC1 c.635G>A (p.Gly212Glu) results in a non-conservative amino acid change in the encoded protein sequence. Algorithms developed to predict the effect of missense changes on protein structure and function all suggest that this variant is likely to be disruptive. The variant allele was found at a frequency of 8e-06 in 250814 control chromosomes. c.635G>A has been observed in individual(s) affected with Megalencephalic Leukoencephalopathy (example: Leegwater_2002). Different variants affecting the same codon has been classified as likely pathogenic by our lab (c.634G>A, p.Gly212Arg/c.634G>C,p.Gly212Arg), supporting the critical relevance of codon 212 to MLC1 protein function. At least one publication reports experimental evidence evaluating an impact on protein function. The most pronounced variant effect results in reduced MLC1 gene expression (Duarri_2008). The following publications have been ascertained in the context of this evaluation (PMID: 18757878, 11935341). ClinVar contains an entry for this variant (Variation ID: 2737052). Based on the evidence outlined above, the variant was classified as likely pathogenic.

Blueprint Genetics
Classification: Likely pathogenic for MLC1-related disorders. Last evaluated: 2023-10-25. Review status: criteria provided, single submitter. Criteria: ACMG Guidelines, 2015. Collection method: clinical testing. Allele origin: germline. Affected: yes. Observed: 3 variant alleles.

Labcorp Genetics (formerly Invitae), Labcorp
Classification: Likely pathogenic. Last evaluated: 2023-10-22. Review status: criteria provided, single submitter. Criteria: Invitae Variant Classification Sherloc (09022015). Collection method: clinical testing. Allele origin: germline.
Comment: This sequence change replaces glycine, which is neutral and non-polar, with glutamic acid, which is acidic and polar, at codon 212 of the MLC1 protein (p.Gly212Glu). This variant is present in population databases (rs766231298, gnomAD 0.002%). This missense change has been observed in individual(s) with megalencephalic leukoencephalopathy with subcortical cysts (PMID: 11935341). Advanced modeling of protein sequence and biophysical properties (such as structural, functional, and spatial information, amino acid conservation, physicochemical variation, residue mobility, and thermodynamic stability) has been performed at Invitae for this missense variant, however the output from this modeling did not meet the statistical confidence thresholds required to predict the impact of this variant on MLC1 protein function. Studies have shown that this missense change alters MLC1 gene expression (PMID: 18757878). This variant disrupts the p.Gly212Arg amino acid residue in MLC1. Other variant(s) that disrupt this residue have been determined to be pathogenic (PMID: 11254442, 18757878, 21145992, 27322623). This suggests that this residue is clinically significant, and that variants that disrupt this residue are likely to be disease-causing. In summary, the currently available evidence indicates that the variant is pathogenic, but additional data are needed to prove that conclusively. Therefore, this variant has been classified as Likely Pathogenic.

Literature cited by the submitters: PubMed 18757878 (cited by Women's Health and Genetics/Laboratory Corporation of America, LabCorp and Labcorp Genetics (formerly Invitae), Labcorp); PubMed 11935341 (cited by Women's Health and Genetics/Laboratory Corporation of America, LabCorp and Labcorp Genetics (formerly Invitae), Labcorp); PubMed 11254442 (cited by Labcorp Genetics (formerly Invitae), Labcorp); PubMed 21145992 (cited by Labcorp Genetics (formerly Invitae), Labcorp); PubMed 27322623 (cited by Labcorp Genetics (formerly Invitae), Labcorp).

NM_015166.4(MLC1):c.635G>A (p.Gly212Glu)

Gene: MLC1 (modulator of VRAC current 1; minus strand). Cytogenetic location: 22q13.33.
Variant type: single nucleotide variant.
Coding change: c.635G>A on transcript NM_015166.4 (MANE Select); coding-DNA position 635, G replaced by A.
Protein change: p.Gly212Glu; replaces glycine 212 with glutamic acid.
Molecular consequence: missense variant. On other transcripts: non-coding transcript variant (3).
Genome position (GRCh38, 1-based): chr22:50,074,295, C>T on the plus strand (G>A on the coding strand, the complement: MLC1 is on the minus strand). VCF-style: chr22-50074295-C-T. GRCh37 (hg19) VCF-style: chr22-50512724-C-T.
Other names: c.635G>A, p.Gly212Glu (NM_001376472.1, NM_001376473.1, NM_001376474.1 and 6 more transcripts); c.545G>A, p.Gly182Glu (NM_001376480.1); c.533G>A, p.Gly178Glu (NM_001376481.1); c.479G>A, p.Gly160Glu (NM_001376482.1, NM_001376483.1); c.398G>A, p.Gly133Glu (NM_001376484.1); short protein forms G160E, G182E, G133E, G178E, G212E.
Identifiers: ClinVar variation 2737052 (VCV002737052.5), dbSNP rs766231298, ClinGen allele CA10303430.